The following is an entry in ClinVar:

ClinVar aggregate classification (germline): Uncertain significance (1 of 4 stars; one submission).

Conditions:
Generalized epilepsy with febrile seizures plus, type 7 (GEFSP7). Also called: GEFS+, TYPE 7. Identifiers: Orphanet 36387, MedGen C2751778, MONDO:0013470, OMIM 613863.
Neuropathy, hereditary sensory and autonomic, type 2A (HSAN2A). Also called: HSAN IIA; ACROOSTEOLYSIS, GIACCAI TYPE; ACROOSTEOLYSIS, NEUROGENIC; MORVAN DISEASE; NEUROPATHY, CONGENITAL SENSORY; NEUROPATHY, HEREDITARY SENSORY RADICULAR, AUTOSOMAL RECESSIVE. Identifiers: Orphanet 970, MedGen C2752089, MONDO:0024309, OMIM 201300.

Allele frequency attached by ClinVar (database versions not stated): gnomAD 0.00001; gnomAD exomes 0.00001 and 0.00004; TOPMed 0.00002; ExAC 0.00004.
gnomAD v4.1: 16 of 1,614,046 alleles (0.00099%); highest among the groups gnomAD compares: Admixed American, 0.017%; no homozygotes.

Submission:

Labcorp Genetics (formerly Invitae), Labcorp
Classification: Uncertain significance for Neuropathy, hereditary sensory and autonomic, type 2A; Generalized epilepsy with febrile seizures plus, type 7. Last evaluated: 2025-04-02. Review status: criteria provided, single submitter. Criteria: Invitae Variant Classification Sherloc (09022015). Collection method: clinical testing. Allele origin: germline.
Comment: This sequence change replaces arginine, which is basic and polar, with histidine, which is basic and polar, at codon 1849 of the SCN9A protein (p.Arg1849His). This variant is present in population databases (rs766124857, gnomAD 0.02%). This variant has not been reported in the literature in individuals affected with SCN9A-related conditions. ClinVar contains an entry for this variant (Variation ID: 1053692). Invitae Evidence Modeling of protein sequence and biophysical properties (such as structural, functional, and spatial information, amino acid conservation, physicochemical variation, residue mobility, and thermodynamic stability) indicates that this missense variant is not expected to disrupt SCN9A protein function with a negative predictive value of 95%. In summary, the available evidence is currently insufficient to determine the role of this variant in disease. Therefore, it has been classified as a Variant of Uncertain Significance.

NM_001365536.1(SCN9A):c.5579G>A (p.Arg1860His)

Genes: SCN1A-AS1 (SCN1A and SCN9A antisense RNA 1; plus strand), SCN9A (sodium voltage-gated channel alpha subunit 9; minus strand). Cytogenetic location: 2q24.3.
Variant type: single nucleotide variant.
Coding change: c.5579G>A on transcript NM_001365536.1 (MANE Select); coding-DNA position 5579, G replaced by A.
Protein change: p.Arg1860His; replaces arginine 1860 with histidine.
Molecular consequence: missense variant.
Genome position (GRCh38, 1-based): chr2:166,199,060, C>T on the plus strand (G>A on the coding strand, the complement: SCN9A is on the minus strand). VCF-style: chr2-166199060-C-T. GRCh37 (hg19) VCF-style: chr2-167055570-C-T.
Other names: c.5546G>A, p.Arg1849His (NM_002977.4); short protein forms R1849H, R1860H.
Identifiers: ClinVar variation 1053692 (VCV001053692.9), dbSNP rs766124857, ClinGen allele CA1943654.
Genomic context (GRCh38, chr2:166,199,060, plus strand): 5'-ATGGGTTCATAGGACACTTTGGAAGGATTTGCAGACATGAACCTTTCTTCCATCTGTGAA[C>T]GAAGAGAATCCATCTCCCCACTCTCACCCAAAACACGCTTTGTAAAAGCAAATAAGATGT-3'
Protein context (NP_001352465.1, residues 1850-1870): LGESGEMDSL[Arg1860His]SQMEERFMSA